The following is an entry in ClinVar:

NM_001379180.1(ESRRB):c.*1350G>A

Gene: ESRRB (estrogen related receptor beta; plus strand). Cytogenetic location: 14q24.3.
Variant type: single nucleotide variant.
Coding change: c.*1350G>A on transcript NM_001379180.1 (MANE Select); 1350 bases downstream of the stop codon, G replaced by A.
Molecular consequence: 3 prime UTR variant. On other transcripts: intron variant (1).
Genome position (GRCh38, 1-based): chr14:76,499,808, G>A. VCF-style: chr14-76499808-G-A. GRCh37 (hg19) VCF-style: chr14-76966151-G-A.
Other names: c.1297-55G>A (NM_004452.4).
Identifiers: ClinVar variation 683099 (VCV000683099.2), dbSNP rs72731689, ClinGen allele CA263756040.

ClinVar aggregate classification (germline): Likely benign. Review status: criteria provided, multiple submitters, no conflicts (2 of 4 stars). 2 submissions from 2 submitters: Likely benign (2). Last evaluated 2018-06-14.

Allele frequency attached by ClinVar (database versions not stated): 1000 Genomes Project 0.01577; 1000 Genomes Project 30x 0.01640; TOPMed 0.01748; gnomAD 0.01852 and 0.01898; ESP Exome Variant Server 0.01949; gnomAD exomes 0.02585.
gnomAD v4.1: 37,054 of 1,479,416 alleles (2.5%); highest among the groups gnomAD compares: South Asian, 4%; 618 homozygotes.

Submissions (2):

GeneDx
Classification: Likely benign. Last evaluated: 2018-06-14. Review status: criteria provided, single submitter. Criteria: GeneDx Variant Classification (06012015). Collection method: clinical testing. Allele origin: germline. Affected: yes.
Comment: This variant is considered likely benign or benign based on one or more of the following criteria: it is a conservative change, it occurs at a poorly conserved position in the protein, it is predicted to be benign by multiple in silico algorithms, and/or has population frequency not consistent with disease.

Breakthrough Genomics
Classification: Likely benign. Review status: criteria provided, single submitter. Criteria: ACMG Guidelines, 2015. Collection method: not provided. Allele origin: germline. Inheritance: Autosomal recessive inheritance. Affected: yes.